The following is an entry in ClinVar:

ClinVar aggregate classification (germline): Pathogenic (1 of 4 stars; one submission).

Conditions:
Familial adenomatous polyposis 1 (FAP1). Also called: POLYPOSIS, ADENOMATOUS INTESTINAL; FAMILIAL ADENOMATOUS POLYPOSIS 1, ATTENUATED. Identifiers: MedGen C2713442, MONDO:0021056, OMIM 175100. Disease mechanism: loss of function.

Submission:

Myriad Genetics, Inc.
Classification: Pathogenic for Familial adenomatous polyposis 1. Last evaluated: 2023-05-12. Review status: criteria provided, single submitter. Criteria: Myriad Autosomal Dominant, Autosomal Recessive and X-Linked Classification Criteria (2023). Collection method: clinical testing. Allele origin: unknown.
Comment: This variant is considered pathogenic. This variant creates a frameshift predicted to result in premature protein truncation.

NM_000038.6(APC):c.5390dup (p.Asn1797fs)

Gene: APC (APC regulator of Wnt signaling pathway; plus strand). Cytogenetic location: 5q22.2.
Variant type: Duplication.
Coding change: c.5390dup on transcript NM_000038.6 (MANE Select); coding-DNA position 5390, one base duplicated (A; older notation c.5390dupA).
Protein change: p.Asn1797fs; shifts the reading frame from asparagine 1797.
Molecular consequence: frameshift variant. On other transcripts: non-coding transcript variant (2).
Genome position (GRCh38, 1-based): chr5:112,840,984, A duplicated; the last of 6 consecutive A bases (chr5:112,840,979-112,840,984); duplicating any one gives the same sequence. VCF-style (leftmost placement, unchanged base first): chr5-112840978-C-CA. GRCh37 (hg19) VCF-style: chr5-112176675-C-CA.
Other names: c.5390dup, p.Asn1797fs (NM_001127510.3, NM_001354895.2, NM_001407450.1); c.5336dup, p.Asn1779fs (NM_001127511.3); c.5444dup, p.Asn1815fs (NM_001354896.2, NM_001407447.1, NM_001407448.1 and 1 more transcripts); c.5420dup, p.Asn1807fs (NM_001354897.2); c.5315dup, p.Asn1772fs (NM_001354898.2); c.5306dup, p.Asn1769fs (NM_001354899.2); c.5267dup, p.Asn1756fs (NM_001354900.2); c.5213dup, p.Asn1738fs (NM_001354901.2, NM_001407453.1); and 11 more; short protein forms N1413fs, N1514fs, N1637fs, N1668fs, N1671fs, N1696fs, N1706fs, N1714fs.
Identifiers: ClinVar variation 2583276 (VCV002583276.2), dbSNP rs2533640666, ClinGen allele CA446208834.